The following is an entry in ClinVar:

NM_198994.3(TGM6):c.329G>A (p.Gly110Asp)

Gene: TGM6 (transglutaminase 6; plus strand). Cytogenetic location: 20p13.
Variant type: single nucleotide variant.
Coding change: c.329G>A on transcript NM_198994.3 (MANE Select); coding-DNA position 329, G replaced by A.
Protein change: p.Gly110Asp; replaces glycine 110 with aspartic acid.
Molecular consequence: missense variant.
Genome position (GRCh38, 1-based): chr20:2,395,341, G>A. VCF-style: chr20-2395341-G-A. GRCh37 (hg19) VCF-style: chr20-2375987-G-A.
Other names: c.329G>A, p.Gly110Asp (NM_001254734.2); short protein forms G110D.
Identifiers: ClinVar variation 4682299 (VCV004682299.1).

ClinVar aggregate classification (germline): Uncertain significance (1 of 4 stars; one submission).

gnomAD v4.1: 3 of 1,614,240 alleles (0.00019%); highest among the groups gnomAD compares: East Asian, 0.0022%; no homozygotes.

Submission:

Athena Diagnostics
Classification: Uncertain significance. Last evaluated: 2025-09-10. Review status: criteria provided, single submitter. Criteria: Athena Diagnostics Criteria. Collection method: clinical testing. Allele origin: unknown.
Comment: Available data are insufficient to determine the clinical significance of the variant at this time. The frequency of this variant in the general population is uninformative in assessment of its pathogenicity. This variant has been seen where an alternate explanation for disease was also identified, suggesting this variant may not cause disease. Polyphen and MutationTaster yielded discordant predictions regarding whether this amino acid change is damaging to the protein.